The following is an entry in ClinVar:

ClinVar aggregate classification (germline): Uncertain significance. Review status: criteria provided, single submitter (1 of 4 stars). 2 submissions from 2 submitters: Uncertain significance (1). 1 of the submissions does not count toward it. Last evaluated 2025-08-26.

Conditions:
DMXL1-related disorder. Also called: DMXL1-related condition.

Allele frequency attached by ClinVar (database versions not stated): gnomAD exomes 0.00017; ExAC 0.00054; ESP Exome Variant Server 0.00177; gnomAD 0.00182; TOPMed 0.00182; 1000 Genomes Project 0.00260; 1000 Genomes Project 30x 0.00328.
gnomAD v4.1: 521 of 1,614,072 alleles (0.032%); highest among the groups gnomAD compares: African/African-American, 0.66%; 6 homozygotes.

Submissions (2):

Ambry Genetics
Classification: Uncertain significance. Last evaluated: 2025-08-26. Review status: criteria provided, single submitter. Criteria: Ambry Variant Classification Scheme 2023. Collection method: clinical testing. Allele origin: germline.

PreventionGenetics, part of Exact Sciences
Classification: Likely benign for DMXL1-related condition. Last evaluated: 2019-11-18. Review status: no assertion criteria provided. Collection method: clinical testing. Allele origin: germline. Not counted in ClinVar's aggregate classification.
Comment: This variant is classified as likely benign based on ACMG/AMP sequence variant interpretation guidelines (Richards et al. 2015 PMID: 25741868, with internal and published modifications).

NM_001290321.3(DMXL1):c.663T>G (p.Ile221Met)

Gene: DMXL1 (Dmx like 1; plus strand). Cytogenetic location: 5q23.1.
Variant type: single nucleotide variant.
Coding change: c.663T>G on transcript NM_001290321.3 (MANE Select); coding-DNA position 663, T replaced by G.
Protein change: p.Ile221Met; replaces isoleucine 221 with methionine.
Molecular consequence: missense variant. On other transcripts: non-coding transcript variant (3).
Genome position (GRCh38, 1-based): chr5:119,116,256, T>G. VCF-style: chr5-119116256-T-G. GRCh37 (hg19) VCF-style: chr5-118451951-T-G.
Other names: c.663T>G (NM_005509.4); c.663T>G, p.Ile221Met (NM_001349239.2, NM_001349240.2, NM_001387933.1 and 4 more transcripts); short protein forms I221M.
Identifiers: ClinVar variation 3048540 (VCV003048540.3), dbSNP rs7700801, ClinGen allele CA3379188.